The following is an entry in ClinVar:

NM_201384.3(PLEC):c.2775C>T (p.Ala925=)

Gene: PLEC (plectin; minus strand). Cytogenetic location: 8q24.3.
Variant type: single nucleotide variant.
Coding change: c.2775C>T on transcript NM_201384.3 (MANE Select); coding-DNA position 2775, C replaced by T.
Protein change: p.Ala925=; no amino-acid change (alanine 925 retained).
Molecular consequence: synonymous variant.
Genome position (GRCh38, 1-based): chr8:143,929,794, G>A on the plus strand (C>T on the coding strand, the complement: PLEC is on the minus strand). VCF-style: chr8-143929794-G-A. GRCh37 (hg19) VCF-style: chr8-145003962-G-A.
Other names: p.Ala911=; c.2856C>T, p.Ala952= (NM_000445.5); c.2733C>T, p.Ala911= (NM_201378.4); c.2709C>T, p.Ala903= (NM_201379.3); c.3186C>T, p.Ala1062= (NM_201380.4); c.2679C>T, p.Ala893= (NM_201381.3); c.2775C>T, p.Ala925= (NM_201382.4); c.2787C>T, p.Ala929= (NM_201383.3).
Identifiers: ClinVar variation 284284 (VCV000284284.91), dbSNP rs201202488, ClinGen allele CA4927344.

ClinVar aggregate classification (germline): Conflicting classifications of pathogenicity. Review status: criteria provided, conflicting classifications (1 of 4 stars). 6 submissions from 6 submitters: Uncertain significance (1); Likely benign (5). Last evaluated 2026-01-21.

Conditions:
Epidermolysis bullosa simplex, Ogna type (EBS5A). Also called: Pidermolysis bullosa simplex 5A, Ogna type; EPIDERMOLYSIS BULLOSA SIMPLEX 5A, OGNA TYPE. Identifiers: Orphanet 79401, MedGen C0432317, MONDO:0007555, OMIM 131950.
Epidermolysis bullosa simplex with nail dystrophy (EBS5D). Identifiers: MedGen C4225309, MONDO:0014661, OMIM 616487.
Autosomal recessive limb-girdle muscular dystrophy type 2Q (LGMDR17). Also called: MUSCULAR DYSTROPHY, LIMB-GIRDLE, AUTOSOMAL RECESSIVE 17. Identifiers: Orphanet 254361, MedGen C3150989, MONDO:0013390, OMIM 613723.
Epidermolysis bullosa simplex 5C, with pyloric atresia (EBS5C). Also called: Epidermolysis bullosa simplex with pyloric atresia; PLEC1-Related Epidermolysis Bullosa with Pyloric Atresia; PLEC-Related Epidermolysis Bullosa with Pyloric Atresia. Identifiers: Orphanet 158684, MedGen C2677349, MONDO:0012807, OMIM 612138.
Epidermolysis bullosa simplex 5B, with muscular dystrophy (EBS5B). Also called: Epidermolysis bullosa simplex with muscular dystrophy; EPIDERMOLYSIS BULLOSA SIMPLEX AND LIMB-GIRDLE MUSCULAR DYSTROPHY. Identifiers: Orphanet 257, MedGen C2931072, MONDO:0009181, OMIM 226670.

Allele frequency attached by ClinVar (database versions not stated): 1000 Genomes Project 30x 0.00016; 1000 Genomes Project 0.00020; ExAC 0.00066; gnomAD exomes 0.00079 and 0.00122; gnomAD 0.00080 and 0.00086; ESP Exome Variant Server 0.00088; TOPMed 0.00097.
gnomAD v4.1: 1,857 of 1,599,640 alleles (0.12%); highest among the groups gnomAD compares: Admixed American, 0.15%; 1 homozygote.

Submissions (6):

Labcorp Genetics (formerly Invitae), Labcorp
Classification: Likely benign for Autosomal recessive limb-girdle muscular dystrophy type 2Q; Epidermolysis bullosa simplex, Ogna type; Epidermolysis bullosa simplex with nail dystrophy; Epidermolysis bullosa simplex 5C, with pyloric atresia; Epidermolysis bullosa simplex 5B, with muscular dystrophy. Last evaluated: 2026-01-21. Review status: criteria provided, single submitter. Criteria: Invitae Variant Classification Sherloc (09022015). Collection method: clinical testing. Allele origin: germline.

Mayo Clinic Laboratories, Mayo Clinic
Classification: Likely benign. Last evaluated: 2025-06-26. Review status: criteria provided, single submitter. Criteria: ACMG Guidelines, 2015. Collection method: clinical testing. Allele origin: germline. Observed: 2 variant alleles.
Comment: BS1, BP4, BP7

CeGaT Center for Human Genetics Tuebingen
Classification: Likely benign. Last evaluated: 2025-06-01. Review status: criteria provided, single submitter. Criteria: CeGaT Center For Human Genetics Tuebingen Variant Classification Criteria Version 2. Collection method: clinical testing. Allele origin: germline. Affected: yes. Observed: 3 variant alleles.
Comment: PLEC: BP4, BP7

Blueprint Genetics
Classification: Likely benign. Last evaluated: 2024-10-14. Review status: criteria provided, single submitter. Criteria: ACMG Guidelines, 2015. Collection method: clinical testing. Allele origin: germline.

GeneDx
Classification: Likely benign. Last evaluated: 2019-02-14. Review status: criteria provided, single submitter. Criteria: GeneDx Variant Classification Process June 2021. Collection method: clinical testing. Allele origin: germline. Affected: yes.

Eurofins Ntd Llc (ga)
Classification: Uncertain significance. Last evaluated: 2017-11-27. Review status: criteria provided, single submitter. Criteria: EGL Classification Definitions 2015. Collection method: clinical testing. Allele origin: germline. Observed: 20 variant alleles, 20 heterozygotes.